The following is an entry in ClinVar:

ClinVar aggregate classification (germline): Uncertain significance. Review status: criteria provided, multiple submitters, no conflicts (2 of 4 stars). 2 submissions from 2 submitters: Uncertain significance (2). Last evaluated 2025-02-24.

Conditions:
TP63-Related Spectrum Disorders.

Allele frequency attached by ClinVar (database versions not stated): ExAC 0.00001; TOPMed 0.00001; ESP Exome Variant Server 0.00008.
gnomAD v4.1: 51 of 1,613,588 alleles (0.0032%); highest among the groups gnomAD compares: South Asian, 0.0055%; no homozygotes.

Submissions (2):

Women's Health and Genetics/Laboratory Corporation of America, LabCorp
Classification: Uncertain significance. Last evaluated: 2025-02-24. Review status: criteria provided, single submitter. Criteria: LabCorp Variant Classification Summary - May 2015. Collection method: clinical testing. Allele origin: germline.
Comment: Variant summary: TP63 c.67G>A (p.Val23Ile) results in a conservative amino acid change in the encoded protein sequence. Four of five in-silico tools predict a benign effect of the variant on protein function. The variant allele was found at a frequency of 1.6e-05 in 251038 control chromosomes. The available data on variant occurrences in the general population are insufficient to allow any conclusion about variant significance. To our knowledge, no occurrence of c.67G>A in individuals affected with TP63-Related Disorders and no experimental evidence demonstrating its impact on protein function have been reported. ClinVar contains an entry for this variant (Variation ID: 2174189). Based on the evidence outlined above, the variant was classified as uncertain significance.

Labcorp Genetics (formerly Invitae), Labcorp
Classification: Uncertain significance. Last evaluated: 2024-10-10. Review status: criteria provided, single submitter. Criteria: Invitae Variant Classification Sherloc (09022015). Collection method: clinical testing. Allele origin: germline.
Comment: This sequence change replaces valine, which is neutral and non-polar, with isoleucine, which is neutral and non-polar, at codon 23 of the TP63 protein (p.Val23Ile). This variant is present in population databases (rs144315591, gnomAD 0.003%). This variant has not been reported in the literature in individuals affected with TP63-related conditions. ClinVar contains an entry for this variant (Variation ID: 2174189). Invitae Evidence Modeling of protein sequence and biophysical properties (such as structural, functional, and spatial information, amino acid conservation, physicochemical variation, residue mobility, and thermodynamic stability) indicates that this missense variant is not expected to disrupt TP63 protein function with a negative predictive value of 80%. In summary, the available evidence is currently insufficient to determine the role of this variant in disease. Therefore, it has been classified as a Variant of Uncertain Significance.

NM_003722.5(TP63):c.67G>A (p.Val23Ile)

Gene: TP63 (tumor protein p63; plus strand). Cytogenetic location: 3q28.
Variant type: single nucleotide variant.
Coding change: c.67G>A on transcript NM_003722.5 (MANE Select); coding-DNA position 67, G replaced by A.
Protein change: p.Val23Ile; replaces valine 23 with isoleucine.
Molecular consequence: missense variant.
Genome position (GRCh38, 1-based): chr3:189,737,744, G>A. VCF-style: chr3-189737744-G-A. GRCh37 (hg19) VCF-style: chr3-189455533-G-A.
Other names: c.67G>A, p.Val23Ile (NM_001114978.2, NM_001114979.2, NM_001329144.2 and 1 more transcripts); c.61G>A, p.Val21Ile (NM_001329964.2); short protein forms V21I, V23I.
Identifiers: ClinVar variation 2174189 (VCV002174189.4), dbSNP rs144315591, ClinGen allele CA2752019.